The following is an entry in ClinVar:

ClinVar aggregate classification (germline): Uncertain significance (1 of 4 stars; one submission).

Allele frequency attached by ClinVar (database versions not stated): gnomAD 0.00001; TOPMed 0.00001.
gnomAD v4.1: 2 of 1,613,944 alleles (0.00012%); highest among the groups gnomAD compares: African/African-American, 0.0013%; no homozygotes.

Submission:

Labcorp Genetics (formerly Invitae), Labcorp
Classification: Uncertain significance. Last evaluated: 2022-04-17. Review status: criteria provided, single submitter. Criteria: Invitae Variant Classification Sherloc (09022015). Collection method: clinical testing. Allele origin: germline.
Comment: Algorithms developed to predict the effect of missense changes on protein structure and function (SIFT, PolyPhen-2, Align-GVGD) all suggest that this variant is likely to be tolerated. This variant has not been reported in the literature in individuals affected with IFT43-related conditions. This variant is not present in population databases (gnomAD no frequency). This sequence change replaces asparagine, which is neutral and polar, with aspartic acid, which is acidic and polar, at codon 38 of the IFT43 protein (p.Asn38Asp). In summary, the available evidence is currently insufficient to determine the role of this variant in disease. Therefore, it has been classified as a Variant of Uncertain Significance.

NM_001102564.3(IFT43):c.112A>G (p.Asn38Asp)

Gene: IFT43 (intraflagellar transport 43; plus strand). Cytogenetic location: 14q24.3.
Variant type: single nucleotide variant.
Coding change: c.112A>G on transcript NM_001102564.3 (MANE Select); coding-DNA position 112, A replaced by G.
Protein change: p.Asn38Asp; replaces asparagine 38 with aspartic acid.
Molecular consequence: missense variant. On other transcripts: non-coding transcript variant (2).
Genome position (GRCh38, 1-based): chr14:75,988,942, A>G. VCF-style: chr14-75988942-A-G. GRCh37 (hg19) VCF-style: chr14-76455285-A-G.
Other names: c.112A>G, p.Asn38Asp (NM_001255995.3, NM_052873.3); short protein forms N38D.
Identifiers: ClinVar variation 2127277 (VCV002127277.4), dbSNP rs1055794801, ClinGen allele CA263717333.